The following is an entry in ClinVar:

NM_000051.4(ATM):c.4410T>C (p.Tyr1470=)

Gene: ATM (ATM serine/threonine kinase; plus strand). Cytogenetic location: 11q22.3.
Variant type: single nucleotide variant.
Coding change: c.4410T>C on transcript NM_000051.4 (MANE Select); coding-DNA position 4410, T replaced by C.
Protein change: p.Tyr1470=; no amino-acid change (tyrosine 1470 retained).
Molecular consequence: synonymous variant.
Genome position (GRCh38, 1-based): chr11:108,289,775, T>C. VCF-style: chr11-108289775-T-C. GRCh37 (hg19) VCF-style: chr11-108160502-T-C.
Other names: c.4410T>C, p.Tyr1470= (NM_001351834.2).
Identifiers: ClinVar variation 384289 (VCV000384289.15), dbSNP rs1057521912, ClinGen allele CA16605789.

ClinVar aggregate classification (germline): Benign/Likely benign. Review status: criteria provided, multiple submitters, no conflicts (2 of 4 stars). 5 submissions from 5 submitters: Benign (1); Likely benign (4). Last evaluated 2025-12-21.

Conditions:
Hereditary cancer-predisposing syndrome. Also called: Neoplastic Syndromes, Hereditary; Hereditary neoplastic syndrome; Tumor predisposition; Hereditary Cancer Syndrome. Identifiers: Orphanet 140162, MedGen C0027672, MeSH D009386, MONDO:0015356.
Familial cancer of breast. Also called: BREAST CANCER, FAMILIAL; hereditary breast carcinoma; Hereditary breast cancer. Identifiers: Orphanet 227535, MedGen C0346153, MONDO:0016419, OMIM 114480. Disease mechanism: loss of function.
Ataxia-telangiectasia syndrome (AT). Also called: AT, COMPLEMENTATION GROUP C; ATAXIA-TELANGIECTASIA, COMPLEMENTATION GROUP A; ATAXIA-TELANGIECTASIA, FRESNO VARIANT; LOUIS-BAR SYNDROME; Ataxia-telangiectasia; Cerebello-oculocutaneous telangiectasia. Identifiers: Orphanet 100, MedGen C0004135, MONDO:0008840, OMIM 208900.

Submissions (5):

Labcorp Genetics (formerly Invitae), Labcorp
Classification: Likely benign for Ataxia-telangiectasia syndrome. Last evaluated: 2025-12-21. Review status: criteria provided, single submitter. Criteria: Invitae Variant Classification Sherloc (09022015). Collection method: clinical testing. Allele origin: germline.

Myriad Genetics, Inc.
Classification: Benign for Familial cancer of breast. Last evaluated: 2024-05-17. Review status: criteria provided, single submitter. Criteria: Myriad Autosomal Dominant, Autosomal Recessive and X-Linked Classification Criteria (2023). Collection method: clinical testing. Allele origin: unknown.
Comment: This variant is considered benign. This variant is a silent/synonymous amino acid change and it is not expected to impact splicing.

Ambry Genetics
Classification: Likely benign for Hereditary cancer-predisposing syndrome. Last evaluated: 2019-03-07. Review status: criteria provided, single submitter. Criteria: Ambry Variant Classification Scheme 2023. Collection method: clinical testing. Allele origin: germline.

Color Diagnostics, LLC DBA Color Health
Classification: Likely benign for Hereditary cancer-predisposing syndrome. Last evaluated: 2019-02-07. Review status: criteria provided, single submitter. Criteria: ACMG Guidelines, 2015. Collection method: clinical testing. Allele origin: germline.

GeneDx
Classification: Likely benign. Last evaluated: 2016-02-25. Review status: criteria provided, single submitter. Criteria: GeneDx Variant Classification (06012015). Collection method: clinical testing. Allele origin: germline. Affected: yes.
Comment: This variant is considered likely benign or benign based on one or more of the following criteria: it is a conservative change, it occurs at a poorly conserved position in the protein, it is predicted to be benign by multiple in silico algorithms, and/or has population frequency not consistent with disease.